The following is an entry in ClinVar:

NM_015259.6(ICOSLG):c.88G>A (p.Gly30Ser)

Gene: ICOSLG (inducible T cell costimulator ligand; minus strand). Cytogenetic location: 21q22.3.
Variant type: single nucleotide variant.
Coding change: c.88G>A on transcript NM_015259.6 (MANE Select); coding-DNA position 88, G replaced by A.
Protein change: p.Gly30Ser; replaces glycine 30 with serine.
Molecular consequence: missense variant. On other transcripts: intron variant (2).
Genome position (GRCh38, 1-based): chr21:44,237,185, C>T on the plus strand (G>A on the coding strand, the complement: ICOSLG is on the minus strand). VCF-style: chr21-44237185-C-T. GRCh37 (hg19) VCF-style: chr21-45657068-C-T.
Other names: c.88G>A, p.Gly30Ser (NM_001283050.2, NM_001395918.1); c.7G>A, p.Gly3Ser (NM_001365759.2); c.55+1263G>A (NM_001283051.2); c.-48-120G>A (NM_001283052.2); short protein forms G3S, G30S.
Identifiers: ClinVar variation 2081440 (VCV002081440.4), dbSNP rs910327736, ClinGen allele CA321498453.
Genomic context (GRCh38, chr21:44,237,185, plus strand): 5'-CATCATTTAAATCAAAACGGCTTCCTTCAGGGCAAGCGCAGCTGAGCTCCACGTCGCTGC[C>T]TACCATCGCTCTGACTTCCTTCTCCTGAGTATCTGCAATGGCCCAAAAGGTGCAAAATCT-3'
Protein context (NP_056074.1, residues 20-40): TQEKEVRAMV[Gly30Ser]SDVELSCACP

ClinVar aggregate classification (germline): Uncertain significance (1 of 4 stars; one submission).

Submission:

Labcorp Genetics (formerly Invitae), Labcorp
Classification: Uncertain significance. Last evaluated: 2022-01-12. Review status: criteria provided, single submitter. Criteria: Invitae Variant Classification Sherloc (09022015). Collection method: clinical testing. Allele origin: germline.
Comment: In summary, the available evidence is currently insufficient to determine the role of this variant in disease. Therefore, it has been classified as a Variant of Uncertain Significance. Algorithms developed to predict the effect of missense changes on protein structure and function are either unavailable or do not agree on the potential impact of this missense change (SIFT: "Deleterious"; PolyPhen-2: "Probably Damaging"; Align-GVGD: "Class C0"). This variant has not been reported in the literature in individuals affected with ICOSLG-related conditions. This variant is not present in population databases (gnomAD no frequency). This sequence change replaces glycine, which is neutral and non-polar, with serine, which is neutral and polar, at codon 30 of the ICOSLG protein (p.Gly30Ser).